The following is an entry in ClinVar:

ClinVar aggregate classification (germline): Uncertain significance (1 of 4 stars; one submission).

Submission:

Labcorp Genetics (formerly Invitae), Labcorp
Classification: Uncertain significance. Last evaluated: 2024-10-02. Review status: criteria provided, single submitter. Criteria: Invitae Variant Classification Sherloc (09022015). Collection method: clinical testing. Allele origin: germline.
Comment: This sequence change creates a premature translational stop signal (p.Ser84Phefs*8) in the LRRC8A gene. It is expected to result in an absent or disrupted protein product. However, the current clinical and genetic evidence is not sufficient to establish whether loss-of-function variants in LRRC8A cause disease. This variant is not present in population databases (gnomAD no frequency). This variant has not been reported in the literature in individuals affected with LRRC8A-related conditions. Experimental studies and prediction algorithms are not available or were not evaluated, and the functional significance of this variant is currently unknown. In summary, the available evidence is currently insufficient to determine the role of this variant in disease. Therefore, it has been classified as a Variant of Uncertain Significance.

NM_019594.4(LRRC8A):c.250dup (p.Ser84fs)

Gene: LRRC8A (leucine rich repeat containing 8 VRAC subunit A; plus strand). Cytogenetic location: 9q34.11.
Variant type: Duplication.
Coding change: c.250dup on transcript NM_019594.4 (MANE Select); coding-DNA position 250, one base duplicated (T; older notation c.250dupT).
Protein change: p.Ser84fs; shifts the reading frame from serine 84.
Molecular consequence: frameshift variant.
Genome position (GRCh38, 1-based): chr9:128,907,414, T duplicated. VCF-style (leftmost placement, unchanged base first): chr9-128907413-C-CT. GRCh37 (hg19) VCF-style: chr9-131669692-C-CT.
Other names: c.250dup, p.Ser84fs (NM_001127244.2, NM_001127245.2); short protein forms S84fs.
Identifiers: ClinVar variation 3722029 (VCV003722029.2).
Genomic context (GRCh38, chr9:128,907,413, plus strand): 5'-CTCCTGCAATGATTCGTTCCGGGGCTGGGCAGCCCCTGGCCCGGAGCCCACCTACCCCAA[C>CT]TCCACCATTCTGCCGACCCCTGACACGGGCCCCACAGGCATCAAGTATGACCTGGACCGG-3'